The following is an entry in ClinVar:

NM_005045.4(RELN):c.6553A>T (p.Met2185Leu)

Gene: RELN (reelin; minus strand). Cytogenetic location: 7q22.1.
Variant type: single nucleotide variant.
Coding change: c.6553A>T on transcript NM_005045.4 (MANE Select); coding-DNA position 6553, A replaced by T.
Protein change: p.Met2185Leu; replaces methionine 2185 with leucine.
Molecular consequence: missense variant.
Genome position (GRCh38, 1-based): chr7:103,542,849, T>A on the plus strand (A>T on the coding strand, the complement: RELN is on the minus strand). VCF-style: chr7-103542849-T-A. GRCh37 (hg19) VCF-style: chr7-103183296-T-A.
Other names: c.6553A>T, p.Met2185Leu (NM_173054.3); short protein forms M2185L.
Identifiers: ClinVar variation 197485 (VCV000197485.23), dbSNP rs114686696, ClinGen allele CA202908.

ClinVar aggregate classification (germline): Likely benign. Review status: criteria provided, multiple submitters, no conflicts (2 of 4 stars). 5 submissions from 5 submitters: Likely benign (5). Last evaluated 2025-10-02.

Conditions:
Norman-Roberts syndrome (LIS2). Also called: Lissencephaly 2 (Norman-Roberts type). Identifiers: Orphanet 89844, MedGen C0796089, MONDO:0009760, OMIM 257320.
Familial temporal lobe epilepsy 7. Identifiers: Orphanet 101046, MedGen C4225327, MONDO:0014639, OMIM 616436.
Epilepsy, familial temporal lobe, 1. Identifiers: Orphanet 101046, MedGen CN030884, MONDO:0700090, OMIM 600512.

Allele frequency attached by ClinVar (database versions not stated): gnomAD 0.00010 and 0.00023; TOPMed 0.00026; gnomAD exomes 0.00035; ExAC 0.00044; 1000 Genomes Project 30x 0.00078; 1000 Genomes Project 0.00100.
gnomAD v4.1: 509 of 1,614,192 alleles (0.032%); highest among the groups gnomAD compares: East Asian, 0.89%; 5 homozygotes.

Submissions (5):

Labcorp Genetics (formerly Invitae), Labcorp
Classification: Likely benign for Familial temporal lobe epilepsy 7; Norman-Roberts syndrome. Last evaluated: 2025-10-02. Review status: criteria provided, single submitter. Criteria: Invitae Variant Classification Sherloc (09022015). Collection method: clinical testing. Allele origin: germline.

Fulgent Genetics
Classification: Likely benign for Norman-Roberts syndrome; Epilepsy, familial temporal lobe, 1; Familial temporal lobe epilepsy 7. Last evaluated: 2021-10-18. Review status: criteria provided, single submitter. Criteria: ACMG Guidelines, 2015. Collection method: clinical testing. Allele origin: unknown.

GeneDx
Classification: Likely benign. Last evaluated: 2018-11-09. Review status: criteria provided, single submitter. Criteria: GeneDx Variant Classification Process June 2021. Collection method: clinical testing. Allele origin: germline. Affected: yes.

Illumina Laboratory Services, Illumina
Classification: Likely benign for Norman-Roberts syndrome. Last evaluated: 2018-01-13. Review status: criteria provided, single submitter. Criteria: ICSL Variant Classification Criteria 13 December 2019. Collection method: clinical testing. Allele origin: germline.
Comment: This variant was observed in the ICSL laboratory as part of a predisposition screen in an ostensibly healthy population. It had not been previously curated by ICSL or reported in the Human Gene Mutation Database (HGMD: prior to June 1st, 2018), and was therefore a candidate for classification through an automated scoring system. Utilizing variant allele frequency, disease prevalence and penetrance estimates, and inheritance mode, an automated score was calculated to assess if this variant is too frequent to cause the disease. Based on the score and internal cut-off values, a variant classified as likely benign is not then subjected to further curation. The score for this variant resulted in a classification of likely benign for this disease.

Eurofins Ntd Llc (ga)
Classification: Likely benign. Last evaluated: 2015-05-21. Review status: criteria provided, single submitter. Criteria: EGL Classification Definitions 2015. Collection method: clinical testing. Allele origin: germline. Observed: 2 variant alleles, 2 heterozygotes.